The following is an entry in ClinVar:

NM_001267550.2(TTN):c.104605G>A (p.Glu34869Lys)

Genes: TTN (titin; minus strand), TTN-AS1 (TTN antisense RNA 1; plus strand). Cytogenetic location: 2q31.2.
Variant type: single nucleotide variant.
Coding change: c.104605G>A on transcript NM_001267550.2 (MANE Select); coding-DNA position 104605, G replaced by A.
Protein change: p.Glu34869Lys; replaces glutamic acid 34869 with lysine.
Molecular consequence: missense variant.
Genome position (GRCh38, 1-based): chr2:178,532,010, C>T on the plus strand (G>A on the coding strand, the complement: TTN is on the minus strand). VCF-style: chr2-178532010-C-T. GRCh37 (hg19) VCF-style: chr2-179396737-C-T.
Other names: p.E33228K:GAA>AAA; p.Glu32301Lys; c.99682G>A, p.Glu33228Lys (NM_001256850.1); c.77410G>A, p.Glu25804Lys (NM_003319.4); c.96901G>A, p.Glu32301Lys (NM_133378.4); c.77785G>A, p.Glu25929Lys (NM_133432.3); c.77986G>A, p.Glu25996Lys (NM_133437.4); short protein forms E33228K, E34869K, E32301K, E25804K, E25996K, E25929K.
Identifiers: ClinVar variation 203085 (VCV000203085.12), dbSNP rs563430855, ClinGen allele CA311193.
Genomic context (GRCh38, chr2:178,532,010, plus strand): 5'-GGCTGGGGGATCGTGGGCGAGTTCTCTCTGGAGTAGGTGACCTTCTTTCTGTGTCATCTT[C>T]GTATTCCTCAGCCGGTTGTGGACGTGACCGGATCAGCTCAGACACTGGCCTCATTAACTC-3'
Protein context (NP_001254479.2, residues 34859-34879): RSRPQPAEEY[Glu34869Lys]DDTERRSPTP

ClinVar aggregate classification (germline): Conflicting classifications of pathogenicity. Review status: criteria provided, conflicting classifications (1 of 4 stars). 7 submissions from 7 submitters: Uncertain significance (5); Likely benign (2). Last evaluated 2026-06-19.

Conditions:
TTN-related disorder. Also called: TTN-related condition; TTN-related disease; TTN-related disorders.
Cardiovascular phenotype. Identifiers: MedGen CN230736.
Dilated cardiomyopathy 1G (CMD1G). Identifiers: Orphanet 154, MedGen C1858763, MONDO:0011400, OMIM 604145.
Autosomal recessive limb-girdle muscular dystrophy type 2J (LGMDR10). Also called: Limb-girdle muscular dystrophy, type 2J; MUSCULAR DYSTROPHY, LIMB-GIRDLE, AUTOSOMAL RECESSIVE 10. Identifiers: Orphanet 140922, MedGen C1837342, MONDO:0012127, OMIM 608807.

Allele frequency attached by ClinVar (database versions not stated): ExAC 0.00001; gnomAD exomes 0.00002 and 0.00004; gnomAD 0.00013 and 0.00014; TOPMed 0.00014.

Submissions (7):

PreventionGenetics, part of Exact Sciences
Classification: Uncertain significance for TTN-related condition. Last evaluated: 2026-06-19. Review status: criteria provided, single submitter. Criteria: ACMG Guidelines, 2015. Collection method: clinical testing. Allele origin: germline.
Comment: The TTN c.104605G>A variant is predicted to result in the amino acid substitution p.Glu34869Lys. To our knowledge, this variant has not been reported in the literature. This variant is reported in 0.045% of alleles in individuals of African descent in gnomAD. At this time, the clinical significance of this variant is uncertain due to the absence of conclusive functional and genetic evidence.

Mayo Clinic Laboratories, Mayo Clinic
Classification: Uncertain significance. Last evaluated: 2024-09-06. Review status: criteria provided, single submitter. Criteria: ACMG Guidelines, 2015. Collection method: clinical testing. Allele origin: germline. Observed: 1 variant allele.
Comment: BP4

Revvity Omics, Revvity
Classification: Uncertain significance. Last evaluated: 2023-09-01. Review status: criteria provided, single submitter. Criteria: ACMG Guidelines, 2015. Collection method: clinical testing. Allele origin: germline.

Ambry Genetics
Classification: Likely benign for Cardiovascular phenotype. Last evaluated: 2020-03-04. Review status: criteria provided, single submitter. Criteria: Ambry Variant Classification Scheme 2023. Collection method: clinical testing. Allele origin: germline.

GeneDx
Classification: Likely benign. Last evaluated: 2018-01-31. Review status: criteria provided, single submitter. Criteria: GeneDx Variant Classification (06012015). Collection method: clinical testing. Allele origin: germline. Affected: yes.
Comment: This variant is considered likely benign or benign based on one or more of the following criteria: it is a conservative change, it occurs at a poorly conserved position in the protein, it is predicted to be benign by multiple in silico algorithms, and/or has population frequency not consistent with disease.

Labcorp Genetics (formerly Invitae), Labcorp
Classification: Uncertain significance for Dilated cardiomyopathy 1G; Autosomal recessive limb-girdle muscular dystrophy type 2J. Last evaluated: 2017-11-04. Review status: criteria provided, single submitter. Criteria: Invitae Variant Classification Sherloc (09022015). Collection method: clinical testing. Allele origin: germline.

Eurofins Ntd Llc (ga)
Classification: Uncertain significance. Last evaluated: 2016-12-01. Review status: criteria provided, single submitter. Criteria: EGL Classification Definitions 2015. Collection method: clinical testing. Allele origin: germline. Observed: 1 variant allele, 1 heterozygote.